The following is an entry in ClinVar:

ClinVar aggregate classification (germline): Uncertain significance (1 of 4 stars; one submission).

Allele frequency attached by ClinVar (database versions not stated): TOPMed below 0.00001.

Submission:

Labcorp Genetics (formerly Invitae), Labcorp
Classification: Uncertain significance. Last evaluated: 2024-11-05. Review status: criteria provided, single submitter. Criteria: Invitae Variant Classification Sherloc (09022015). Collection method: clinical testing. Allele origin: germline.
Comment: This sequence change replaces glycine, which is neutral and non-polar, with alanine, which is neutral and non-polar, at codon 470 of the ACAN protein (p.Gly470Ala). This variant is not present in population databases (gnomAD no frequency). This variant has not been reported in the literature in individuals affected with ACAN-related conditions. ClinVar contains an entry for this variant (Variation ID: 1391021). Invitae Evidence Modeling of protein sequence and biophysical properties (such as structural, functional, and spatial information, amino acid conservation, physicochemical variation, residue mobility, and thermodynamic stability) indicates that this missense variant is not expected to disrupt ACAN protein function with a negative predictive value of 80%. In summary, the available evidence is currently insufficient to determine the role of this variant in disease. Therefore, it has been classified as a Variant of Uncertain Significance.

NM_001369268.1(ACAN):c.1409G>C (p.Gly470Ala)

Gene: ACAN (aggrecan; plus strand). Cytogenetic location: 15q26.1.
Variant type: single nucleotide variant.
Coding change: c.1409G>C on transcript NM_001369268.1 (MANE Select); coding-DNA position 1409, G replaced by C.
Protein change: p.Gly470Ala; replaces glycine 470 with alanine.
Molecular consequence: missense variant.
Genome position (GRCh38, 1-based): chr15:88,845,862, G>C. VCF-style: chr15-88845862-G-C. GRCh37 (hg19) VCF-style: chr15-89389093-G-C.
Other names: c.1409G>C, p.Gly470Ala (NM_001135.4, NM_013227.4); short protein forms G470A.
Identifiers: ClinVar variation 1391021 (VCV001391021.6), dbSNP rs749892328, ClinGen allele CA393710293.